The following is an entry in ClinVar:

ClinVar aggregate classification (germline): Uncertain significance (1 of 4 stars; one submission).

Conditions:
Hereditary cancer-predisposing syndrome. Also called: Neoplastic Syndromes, Hereditary; Tumor predisposition; Hereditary Cancer Syndrome; Hereditary neoplastic syndrome. Identifiers: Orphanet 140162, MedGen C0027672, MeSH D009386, MONDO:0015356.

Submission:

Ambry Genetics
Classification: Uncertain significance for Hereditary cancer-predisposing syndrome. Last evaluated: 2021-12-10. Review status: criteria provided, single submitter. Criteria: Ambry Variant Classification Scheme 2023. Collection method: clinical testing. Allele origin: germline.
Comment: The p.L1136I variant (also known as c.3406C>A), located in coding exon 24 of the MSH3 gene, results from a C to A substitution at nucleotide position 3406. The leucine at codon 1136 is replaced by isoleucine, an amino acid with highly similar properties. This amino acid position is conserved. In addition, this alteration is predicted to be tolerated by in silico analysis. Since supporting evidence is limited at this time, the clinical significance of this alteration remains unclear.

NM_002439.5(MSH3):c.3406C>A (p.Leu1136Ile)

Gene: MSH3 (mutS homolog 3; plus strand). Cytogenetic location: 5q14.1.
Variant type: single nucleotide variant.
Coding change: c.3406C>A on transcript NM_002439.5 (MANE Select); coding-DNA position 3406, C replaced by A.
Protein change: p.Leu1136Ile; replaces leucine 1136 with isoleucine.
Molecular consequence: missense variant.
Genome position (GRCh38, 1-based): chr5:80,875,854, C>A. VCF-style: chr5-80875854-C-A. GRCh37 (hg19) VCF-style: chr5-80171673-C-A.
Other names: short protein forms L1136I.
Identifiers: ClinVar variation 1731125 (VCV001731125.2), dbSNP rs766083073, ClinGen allele CA360347499.
Genomic context (GRCh38, chr5:80,875,854, plus strand): 5'-GCACAAGACCTGCAGAAGTGGACAGAGGAGTTCAACATGGAAGAAACACAGACTTCTCTT[C>A]TTCATTAAAATGAAGACTACATTTGTGAACAAAAAATGGAGAATTAAAAATACCAACTGT-3'
Protein context (NP_002430.3, residues 1126-1137): FNMEETQTSL[Leu1136Ile]H